The following is an entry in ClinVar:

NM_005476.7(GNE):c.1985C>T (p.Pro662Leu)

Gene: GNE (glucosamine (UDP-N-acetyl)-2-epimerase/N-acetylmannosamine kinase; minus strand). Cytogenetic location: 9p13.3.
Variant type: single nucleotide variant.
Coding change: c.1985C>T on transcript NM_005476.7 (MANE Select); coding-DNA position 1985, C replaced by T.
Protein change: p.Pro662Leu; replaces proline 662 with leucine.
Molecular consequence: missense variant.
Genome position (GRCh38, 1-based): chr9:36,217,549, G>A on the plus strand (C>T on the coding strand, the complement: GNE is on the minus strand). VCF-style: chr9-36217549-G-A. GRCh37 (hg19) VCF-style: chr9-36217546-G-A.
Other names: c.2078C>T, p.Pro693Leu (NM_001128227.3); c.1763C>T, p.Pro588Leu (NM_001190383.3); c.1655C>T, p.Pro552Leu (NM_001190384.3); c.1808C>T, p.Pro603Leu (NM_001190388.2, NM_001374798.1); c.1832C>T, p.Pro611Leu (NM_001374797.1); short protein forms P588L, P611L, P693L, P603L, P662L, P552L.
Identifiers: ClinVar variation 2948005 (VCV002948005.3), dbSNP rs2489583841, ClinGen allele CA373424671.

ClinVar aggregate classification (germline): Uncertain significance (1 of 4 stars; one submission).

Conditions:
GNE myopathy (NM). Also called: NONAKA DISTAL MYOPATHY; INCLUSION BODY MYOPATHY, HEREDITARY, AUTOSOMAL RECESSIVE; INCLUSION BODY MYOPATHY 2, AUTOSOMAL RECESSIVE; MYOPATHY, DISTAL, WITH OR WITHOUT RIMMED VACUOLES; IBM 2; Inclusion body myopathy autosomal recessive. Identifiers: Orphanet 602, MedGen C1853926, MONDO:0011603, OMIM 605820.
Sialuria. Also called: SIALURIA, FRENCH TYPE; Sialic Acid Storage Disease. Identifiers: Orphanet 3166, MedGen C0342853, MONDO:0010028, OMIM 269921.

Submission:

Labcorp Genetics (formerly Invitae), Labcorp
Classification: Uncertain significance for Sialuria; GNE myopathy. Last evaluated: 2025-03-31. Review status: criteria provided, single submitter. Criteria: Invitae Variant Classification Sherloc (09022015). Collection method: clinical testing. Allele origin: germline.
Comment: This sequence change replaces proline, which is neutral and non-polar, with leucine, which is neutral and non-polar, at codon 693 of the GNE protein (p.Pro693Leu). This variant is not present in population databases (gnomAD no frequency). This variant has not been reported in the literature in individuals affected with GNE-related conditions. ClinVar contains an entry for this variant (Variation ID: 2948005). Invitae Evidence Modeling of protein sequence and biophysical properties (such as structural, functional, and spatial information, amino acid conservation, physicochemical variation, residue mobility, and thermodynamic stability) has been performed for this missense variant. However, the output from this modeling did not meet the statistical confidence thresholds required to predict the impact of this variant on GNE protein function. In summary, the available evidence is currently insufficient to determine the role of this variant in disease. Therefore, it has been classified as a Variant of Uncertain Significance.